The following is an entry in ClinVar:

ClinVar aggregate classification (germline): Uncertain significance (1 of 4 stars; one submission).

Allele frequency attached by ClinVar (database versions not stated): gnomAD exomes below 0.00001; gnomAD 0.00001; TOPMed 0.00002.

Submission:

Labcorp Genetics (formerly Invitae), Labcorp
Classification: Uncertain significance. Last evaluated: 2023-09-09. Review status: criteria provided, single submitter. Criteria: Invitae Variant Classification Sherloc (09022015). Collection method: clinical testing. Allele origin: germline.
Comment: This sequence change replaces asparagine, which is neutral and polar, with lysine, which is basic and polar, at codon 366 of the ZCCHC8 protein (p.Asn366Lys). In summary, the available evidence is currently insufficient to determine the role of this variant in disease. Therefore, it has been classified as a Variant of Uncertain Significance. Advanced modeling of protein sequence and biophysical properties (such as structural, functional, and spatial information, amino acid conservation, physicochemical variation, residue mobility, and thermodynamic stability) performed at Invitae indicates that this missense variant is not expected to disrupt ZCCHC8 protein function. ClinVar contains an entry for this variant (Variation ID: 1370921). This variant has not been reported in the literature in individuals affected with ZCCHC8-related conditions. This variant is present in population databases (no rsID available, gnomAD 0.1%).

NM_017612.5(ZCCHC8):c.1098C>G (p.Asn366Lys)

Gene: ZCCHC8 (zinc finger CCHC-type containing 8; minus strand). Cytogenetic location: 12q24.31.
Variant type: single nucleotide variant.
Coding change: c.1098C>G on transcript NM_017612.5 (MANE Select); coding-DNA position 1098, C replaced by G.
Protein change: p.Asn366Lys; replaces asparagine 366 with lysine.
Molecular consequence: missense variant.
Genome position (GRCh38, 1-based): chr12:122,480,232, G>C on the plus strand (C>G on the coding strand, the complement: ZCCHC8 is on the minus strand). VCF-style: chr12-122480232-G-C. GRCh37 (hg19) VCF-style: chr12-122964779-G-C.
Other names: c.867C>G, p.Asn289Lys (NM_001350935.2); c.801C>G, p.Asn267Lys (NM_001350936.2); c.384C>G, p.Asn128Lys (NM_001350937.2, NM_001350938.2); short protein forms N267K, N128K, N289K, N366K.
Identifiers: ClinVar variation 1370921 (VCV001370921.6), dbSNP rs1318890607, ClinGen allele CA387051806.